The following is an entry in ClinVar:

NM_005428.4(VAV1):c.114G>A (p.Arg38=)

Gene: VAV1 (vav guanine nucleotide exchange factor 1; plus strand). Cytogenetic location: 19p13.3.
Variant type: single nucleotide variant.
Coding change: c.114G>A on transcript NM_005428.4 (MANE Select); coding-DNA position 114, G replaced by A.
Protein change: p.Arg38=; no amino-acid change (arginine 38 retained).
Molecular consequence: synonymous variant.
Genome position (GRCh38, 1-based): chr19:6,772,921, G>A. VCF-style: chr19-6772921-G-A. GRCh37 (hg19) VCF-style: chr19-6772932-G-A.
Other names: c.114G>A, p.Arg38= (NM_001258206.2, NM_001258207.2); c.114G>A (NM_005428.3).
Identifiers: ClinVar variation 2175884 (VCV002175884.5), dbSNP rs140697515, ClinGen allele CA9132104.
Genomic context (GRCh38, chr19:6,772,921, plus strand): 5'-GCCCAGCCACCGCGTGACCTGGGATGGGGCTCAGGTGTGTGAACTGGCCCAGGCCCTCCG[G>A]GATGGTGTCCTTCTGTGTCAGCTGCTTAACAACCTGCTACCCCATGCCATCAACCTGCGT-3'
Protein context (NP_005419.2, residues 28-48): AQVCELAQAL[Arg38=]DGVLLCQLLN

ClinVar aggregate classification (germline): Likely benign. Review status: criteria provided, multiple submitters, no conflicts (2 of 4 stars). 2 submissions from 2 submitters: Likely benign (2). Last evaluated 2026-08-06.

Conditions:
VAV1-related disorder. Also called: VAV1-related condition.

Allele frequency attached by ClinVar (database versions not stated): gnomAD exomes 0.00001; ExAC 0.00002; TOPMed 0.00010; ESP Exome Variant Server 0.00015.
gnomAD v4.1: 19 of 1,613,976 alleles (0.0012%); highest among the groups gnomAD compares: African/African-American, 0.023%; no homozygotes.

Submissions (2):

PreventionGenetics, part of Exact Sciences
Classification: Likely benign for VAV1-related condition. Last evaluated: 2026-08-06. Review status: criteria provided, single submitter. Criteria: ACMG Guidelines, 2015. Collection method: clinical testing. Allele origin: germline.
Comment: This variant is classified as likely benign based on ACMG/AMP sequence variant interpretation guidelines (Richards et al. 2015 PMID: 25741868, with internal and published modifications).

Labcorp Genetics (formerly Invitae), Labcorp
Classification: Likely benign. Last evaluated: 2025-08-31. Review status: criteria provided, single submitter. Criteria: Invitae Variant Classification Sherloc (09022015). Collection method: clinical testing. Allele origin: germline.